The following is an entry in ClinVar:

ClinVar aggregate classification (germline): Uncertain significance (1 of 4 stars; one submission).

Conditions:
Inborn genetic diseases. Identifiers: MedGen C0950123, MeSH D030342.

Submission:

Ambry Genetics
Classification: Uncertain significance for Inborn genetic diseases. Last evaluated: 2025-08-21. Review status: criteria provided, single submitter. Criteria: Ambry Variant Classification Scheme 2023. Collection method: clinical testing. Allele origin: germline.
Comment: The p.T1377R variant (also known as c.4130C>G), located in coding exon 1 of the SAMD9L gene, results from a C to G substitution at nucleotide position 4130. The threonine at codon 1377 is replaced by arginine, an amino acid with similar properties. This amino acid position is conserved. In addition, this alteration is predicted to be tolerated by in silico analysis. Based on the available evidence, the clinical significance of this variant remains unclear.

NM_152703.5(SAMD9L):c.4130C>G (p.Thr1377Arg)

Gene: SAMD9L (sterile alpha motif domain containing 9 like; minus strand). Cytogenetic location: 7q21.2.
Variant type: single nucleotide variant.
Coding change: c.4130C>G on transcript NM_152703.5 (MANE Select); coding-DNA position 4130, C replaced by G.
Protein change: p.Thr1377Arg; replaces threonine 1377 with arginine.
Molecular consequence: missense variant.
Genome position (GRCh38, 1-based): chr7:93,131,842, G>C on the plus strand (C>G on the coding strand, the complement: SAMD9L is on the minus strand). VCF-style: chr7-93131842-G-C. GRCh37 (hg19) VCF-style: chr7-92761155-G-C.
Other names: c.4130C>G, p.Thr1377Arg (NM_001303496.3, NM_001303497.3, NM_001303498.3 and 5 more transcripts); short protein forms T1377R.
Identifiers: ClinVar variation 4159426 (VCV004159426.1).
Genomic context (GRCh38, chr7:93,131,842, plus strand): 5'-GAGTTGGGCTTTAGACAACTCAGAATAATGTTGGCCAAAATGGAATTTTGTTTCTCATTT[G>C]TCATGGGCTTTTTTGAGTTTTGCTGCAGTAGGAAGGCATATTCATTCACTATACTTTCCA-3'
Protein context (NP_689916.2, residues 1367-1387): LLQQNSKKPM[Thr1377Arg]NEKQNSILAN